The following is an entry in ClinVar:

ClinVar aggregate classification (germline): Uncertain significance. Review status: criteria provided, multiple submitters, no conflicts (2 of 4 stars). 2 submissions from 2 submitters: Uncertain significance (2). Last evaluated 2026-02-03.

Allele frequency attached by ClinVar (database versions not stated): TOPMed below 0.00001; gnomAD exomes 0.00001.

Submissions (2):

Women's Health and Genetics/Laboratory Corporation of America, LabCorp
Classification: Uncertain significance. Last evaluated: 2026-02-03. Review status: criteria provided, single submitter. Criteria: LabCorp Variant Classification Summary - May 2015. Collection method: clinical testing. Allele origin: germline.
Comment: Variant summary: CHST14 c.74C>A (p.Ala25Asp) results in a non-conservative amino acid change in the encoded protein sequence. Algorithms developed to predict the effect of missense changes on protein structure and function are either unavailable or do not agree on the potential impact of this missense change. The variant was absent in 122806 control chromosomes. The available data on variant occurrences in the general population are insufficient to allow any conclusion about variant significance. To our knowledge, no occurrence of c.74C>A in individuals affected with CHST14-related conditions and no experimental evidence demonstrating its impact on protein function have been reported. ClinVar contains an entry for this variant (Variation ID: 284430). Based on the evidence outlined above, the variant was classified as uncertain significance.

Eurofins Ntd Llc (ga)
Classification: Uncertain significance. Last evaluated: 2017-04-18. Review status: criteria provided, single submitter. Criteria: EGL Classification Definitions 2015. Collection method: clinical testing. Allele origin: germline. Observed: 2 variant alleles, 2 heterozygotes.

NM_130468.4(CHST14):c.74C>A (p.Ala25Asp)

Genes: CHST14 (carbohydrate sulfotransferase 14; plus strand), LOC130056851 (ATAC-STARR-seq lymphoblastoid silent region 6336; plus strand). Cytogenetic location: 15q15.1.
Variant type: single nucleotide variant.
Coding change: c.74C>A on transcript NM_130468.4 (MANE Select); coding-DNA position 74, C replaced by A.
Protein change: p.Ala25Asp; replaces alanine 25 with aspartic acid.
Molecular consequence: missense variant.
Genome position (GRCh38, 1-based): chr15:40,471,287, C>A. VCF-style: chr15-40471287-C-A. GRCh37 (hg19) VCF-style: chr15-40763486-C-A.
Other names: short protein forms A25D.
Identifiers: ClinVar variation 284430 (VCV000284430.6), dbSNP rs886042864, ClinGen allele CA10604787.
Genomic context (GRCh38, chr15:40,471,287, plus strand): 5'-CGCTGACCCCGCTGGCGGCCCCAAATGGCGCCGAGCCCCTGGGCCGGGCGCTGAGGCGGG[C>A]CCCTCTGGGCAGGGCCCGGGCGGGGCTGGGTGGGCCGCCCCTGCTGCTGCCGTCCATGCT-3'
Protein context (NP_569735.1, residues 15-35): AEPLGRALRR[Ala25Asp]PLGRARAGLG